The following is an entry in ClinVar:

ClinVar aggregate classification (germline): Pathogenic (1 of 4 stars; one submission).

Submission:

Labcorp Genetics (formerly Invitae), Labcorp
Classification: Pathogenic. Last evaluated: 2022-06-23. Review status: criteria provided, single submitter. Criteria: Invitae Variant Classification Sherloc (09022015). Collection method: clinical testing. Allele origin: germline.
Comment: This variant has not been reported in the literature in individuals affected with COL4A5-related conditions. This variant is a gross deletion of the genomic region encompassing exon(s) 10-18 of the COL4A5 gene. This variant would be expected to be in-frame, preserving the integrity of the reading frame. This variant disrupts the triple helix domain of COL4A5. Glycine residues within the Gly-Xaa-Yaa repeats of the triple helix domain are required for the structure and stability of fibrillar collagens (PMID: 7695699, 8218237, 19344236). In COL4A5, missense variants at these glycine residues are significantly enriched in individuals with disease (PMID: 23720012, 27627812) compared to the general population (ExAC). For these reasons, this variant has been classified as Pathogenic.

Literature cited by the submitters: PubMed 7695699; PubMed 8218237; PubMed 19344236; PubMed 23720012; PubMed 27627812.

NC_000023.10:g.(?_107819120)_(107827775_?)del

Gene: COL4A5 (collagen type IV alpha 5 chain; plus strand). Cytogenetic location: Xq22.3.
Variant type: Deletion.
Identifiers: ClinVar variation 2423168 (VCV002423168.4).